The following is an entry in ClinVar:

NM_018136.5(ASPM):c.8383C>G (p.Gln2795Glu)

Gene: ASPM (assembly factor for spindle microtubules; minus strand). Cytogenetic location: 1q31.3.
Variant type: single nucleotide variant.
Coding change: c.8383C>G on transcript NM_018136.5 (MANE Select); coding-DNA position 8383, C replaced by G.
Protein change: p.Gln2795Glu; replaces glutamine 2795 with glutamic acid.
Molecular consequence: missense variant. On other transcripts: intron variant (1).
Genome position (GRCh38, 1-based): chr1:197,100,868, G>C on the plus strand (C>G on the coding strand, the complement: ASPM is on the minus strand). VCF-style: chr1-197100868-G-C. GRCh37 (hg19) VCF-style: chr1-197069998-G-C.
Other names: c.4066-4704C>G (NM_001206846.2); short protein forms Q2795E.
Identifiers: ClinVar variation 681103 (VCV000681103.2), dbSNP rs776299348, ClinGen allele CA1309235.

ClinVar aggregate classification (germline): Conflicting classifications of pathogenicity. Review status: criteria provided, conflicting classifications (1 of 4 stars). 2 submissions from 2 submitters: Uncertain significance (1); Likely benign (1). Last evaluated 2024-12-07.

Conditions:
Inborn genetic diseases. Identifiers: MedGen C0950123, MeSH D030342.

Allele frequency attached by ClinVar (database versions not stated): ExAC 0.00001; gnomAD exomes 0.00002; TOPMed 0.00003.
gnomAD v4.1: 7 of 1,612,470 alleles (0.00043%); highest among the groups gnomAD compares: Admixed American, 0.012%; no homozygotes.

Submissions (2):

Ambry Genetics
Classification: Uncertain significance for Inborn genetic diseases. Last evaluated: 2024-12-07. Review status: criteria provided, single submitter. Criteria: Ambry Variant Classification Scheme 2023. Collection method: clinical testing. Allele origin: germline.

GeneDx
Classification: Likely benign. Last evaluated: 2018-03-27. Review status: criteria provided, single submitter. Criteria: GeneDx Variant Classification (06012015). Collection method: clinical testing. Allele origin: germline. Affected: yes.
Comment: This variant is considered likely benign or benign based on one or more of the following criteria: it is a conservative change, it occurs at a poorly conserved position in the protein, it is predicted to be benign by multiple in silico algorithms, and/or has population frequency not consistent with disease.